The following is an entry in ClinVar:

ClinVar aggregate classification (germline): Conflicting classifications of pathogenicity. Review status: criteria provided, conflicting classifications (1 of 4 stars). 2 submissions from 2 submitters: Uncertain significance (1); Likely benign (1). Last evaluated 2025-09-26.

Conditions:
Inborn genetic diseases. Identifiers: MedGen C0950123, MeSH D030342.

Allele frequency attached by ClinVar (database versions not stated): gnomAD exomes 0.00003 and 0.00001; TOPMed 0.00004; gnomAD 0.00003.
gnomAD v4.1: 52 of 1,609,108 alleles (0.0032%); highest among the groups gnomAD compares: African/African-American, 0.0053%; no homozygotes.

Submissions (2):

Ambry Genetics
Classification: Likely benign for Inborn genetic diseases. Last evaluated: 2025-09-26. Review status: criteria provided, single submitter. Criteria: Ambry Variant Classification Scheme 2023. Collection method: clinical testing. Allele origin: germline.

Labcorp Genetics (formerly Invitae), Labcorp
Classification: Uncertain significance. Last evaluated: 2022-06-13. Review status: criteria provided, single submitter. Criteria: Invitae Variant Classification Sherloc (09022015). Collection method: clinical testing. Allele origin: germline.
Comment: This variant is present in population databases (no rsID available, gnomAD 0.007%). This sequence change replaces arginine, which is basic and polar, with glutamine, which is neutral and polar, at codon 1073 of the LAMC3 protein (p.Arg1073Gln). This variant has not been reported in the literature in individuals affected with LAMC3-related conditions. Algorithms developed to predict the effect of missense changes on protein structure and function output the following: SIFT: "Tolerated"; PolyPhen-2: "Benign"; Align-GVGD: "Class C0". The glutamine amino acid residue is found in multiple mammalian species, which suggests that this missense change does not adversely affect protein function. In summary, the available evidence is currently insufficient to determine the role of this variant in disease. Therefore, it has been classified as a Variant of Uncertain Significance.

NM_006059.4(LAMC3):c.3218G>A (p.Arg1073Gln)

Gene: LAMC3 (laminin subunit gamma 3; plus strand). Cytogenetic location: 9q34.12.
Variant type: single nucleotide variant.
Coding change: c.3218G>A on transcript NM_006059.4 (MANE Select); coding-DNA position 3218, G replaced by A.
Protein change: p.Arg1073Gln; replaces arginine 1073 with glutamine.
Molecular consequence: missense variant.
Genome position (GRCh38, 1-based): chr9:131,072,636, G>A. VCF-style: chr9-131072636-G-A. GRCh37 (hg19) VCF-style: chr9-133948023-G-A.
Other names: c.3218G>A (NM_006059.3); short protein forms R1073Q.
Identifiers: ClinVar variation 1352362 (VCV001352362.6), dbSNP rs1055925150, ClinGen allele CA200668743.